The following is an entry in ClinVar:

ClinVar aggregate classification (germline): Pathogenic (1 of 4 stars; one submission).

Conditions:
Familial adenomatous polyposis 1 (FAP1). Also called: POLYPOSIS, ADENOMATOUS INTESTINAL; FAMILIAL ADENOMATOUS POLYPOSIS 1, ATTENUATED. Identifiers: MedGen C2713442, MONDO:0021056, OMIM 175100. Disease mechanism: loss of function.

Submission:

Myriad Genetics, Inc.
Classification: Pathogenic for Familial adenomatous polyposis 1. Last evaluated: 2023-05-09. Review status: criteria provided, single submitter. Criteria: Myriad Autosomal Dominant, Autosomal Recessive and X-Linked Classification Criteria (2023). Collection method: clinical testing. Allele origin: unknown.
Comment: This variant is considered pathogenic. This variant creates a termination codon and is predicted to result in premature protein truncation.

NM_000038.6(APC):c.3897dup (p.Asn1300Ter)

Gene: APC (APC regulator of Wnt signaling pathway; plus strand). Cytogenetic location: 5q22.2.
Variant type: Duplication.
Coding change: c.3897dup on transcript NM_000038.6 (MANE Select); coding-DNA position 3897, one base duplicated (T; older notation c.3897dupT).
Protein change: p.Asn1300Ter; replaces asparagine 1300 with a stop codon.
Molecular consequence: nonsense. On other transcripts: non-coding transcript variant (2).
Genome position (GRCh38, 1-based): chr5:112,839,491, T duplicated. VCF-style (leftmost placement, unchanged base first): chr5-112839490-C-CT. GRCh37 (hg19) VCF-style: chr5-112175187-C-CT.
Other names: c.3897dup, p.Asn1300Ter (NM_001127510.3, NM_001354895.2, NM_001407450.1); c.3843dup, p.Asn1282Ter (NM_001127511.3); c.3951dup, p.Asn1318Ter (NM_001354896.2, NM_001407447.1, NM_001407448.1 and 1 more transcripts); c.3927dup, p.Asn1310Ter (NM_001354897.2); c.3822dup, p.Asn1275Ter (NM_001354898.2); c.3813dup, p.Asn1272Ter (NM_001354899.2); c.3774dup, p.Asn1259Ter (NM_001354900.2); c.3720dup, p.Asn1241Ter (NM_001354901.2, NM_001407453.1); and 11 more; short protein forms N1017*, N1140*, N1171*, N1174*, N1199*, N1209*, N1217*, N1241*.
Identifiers: ClinVar variation 2583723 (VCV002583723.1), dbSNP rs2533532854, ClinGen allele CA2582341543.